The following is an entry in ClinVar:

NM_016239.4(MYO15A):c.2000del (p.Pro667fs)

Gene: MYO15A (myosin XVA; plus strand). Cytogenetic location: 17p11.2.
Variant type: Deletion.
Coding change: c.2000del on transcript NM_016239.4 (MANE Select); coding-DNA position 2000, one base deleted (C; older notation c.2000delC).
Protein change: p.Pro667fs; shifts the reading frame from proline 667.
Molecular consequence: frameshift variant.
Genome position (GRCh38, 1-based): chr17:18,120,800, C deleted; the last of 5 consecutive C bases (chr17:18,120,796-18,120,800); deleting any one gives the same sequence. VCF-style (leftmost placement, unchanged base first): chr17-18120795-GC-G. GRCh37 (hg19) VCF-style: chr17-18024109-GC-G.
Other names: short protein forms P667fs.
Identifiers: ClinVar variation 817360 (VCV000817360.2), dbSNP rs1597754305, ClinGen allele CA625315033.

ClinVar aggregate classification (germline): Likely pathogenic. Review status: criteria provided, multiple submitters, no conflicts (2 of 4 stars). 2 submissions from 2 submitters: Likely pathogenic (2). Last evaluated 2019-02-18.

Conditions:
MYO15A-related disorder. Also called: MYO15A-related condition.

Submissions (2):

Blueprint Genetics
Classification: Likely pathogenic for MYO15A-related disorders. Last evaluated: 2019-02-18. Review status: criteria provided, single submitter. Criteria: ACMG Guidelines, 2015. Collection method: clinical testing. Allele origin: germline. Affected: yes. Observed: 1 variant allele.

GeneDx
Classification: Likely pathogenic. Last evaluated: 2018-12-21. Review status: criteria provided, single submitter. Criteria: GeneDx Variant Classification (06012015). Collection method: clinical testing. Allele origin: germline. Affected: yes.
Comment: The c.2000delC likely pathogenic variant in the MYO15A gene causes a frameshift starting with codon Proline 667, changes this amino acid to a Arginine residue and creates a premature Stop codon at position 61 of the new reading frame, denoted p.Pro667ArgfsX61. This pathogenic variant is predicted to cause loss of normal protein function either through protein truncation or nonsense-mediated mRNA decay. The c.2000delC variant has not been observed in large population cohorts (Lek et al., 2016). This variant has not been published as a pathogenic variant, nor has it been reported as a benign variant to our knowledge. In summary, we classify this variant as likely pathogenic.